The following is an entry in ClinVar:

ClinVar aggregate classification (germline): Uncertain significance. Review status: criteria provided, multiple submitters, no conflicts (2 of 4 stars). 3 submissions from 3 submitters: Uncertain significance (3). Last evaluated 2025-03-06.

Conditions:
Cardiovascular phenotype. Identifiers: MedGen CN230736.
Lethal congenital glycogen storage disease of heart. Also called: PHOSPHORYLASE KINASE DEFICIENCY OF HEART; GLYCOGEN STORAGE DISEASE OF HEART. Identifiers: Orphanet 439854, MedGen C1849813, MONDO:0009867, OMIM 261740.

Submissions (3):

Ambry Genetics
Classification: Uncertain significance for Cardiovascular phenotype. Last evaluated: 2025-03-06. Review status: criteria provided, single submitter. Criteria: Ambry Variant Classification Scheme 2023. Collection method: clinical testing. Allele origin: germline.
Comment: The p.K11I variant (also known as c.32A>T), located in coding exon 1 of the PRKAG2 gene, results from an A to T substitution at nucleotide position 32. The lysine at codon 11 is replaced by isoleucine, an amino acid with dissimilar properties. This amino acid position is highly conserved in available vertebrate species. In addition, the in silico prediction for this alteration is inconclusive. Based on the available evidence, the clinical significance of this variant remains unclear.

Stanford Center for Inherited Cardiovascular Disease, Stanford University
Classification: Uncertain significance. Last evaluated: 2016-10-18. Review status: criteria provided, single submitter. Criteria: ACMG Guidelines, 2015. Collection method: provider interpretation. Allele origin: germline.

Labcorp Genetics (formerly Invitae), Labcorp
Classification: Uncertain significance for Lethal congenital glycogen storage disease of heart. Last evaluated: 2016-06-09. Review status: criteria provided, single submitter. Criteria: Invitae Variant Classification Sherloc (09022015). Collection method: clinical testing. Allele origin: germline.
Comment: This sequence change replaces lysine with isoleucine at codon 11 of the PRKAG2 protein (p.Lys11Ile). The lysine residue is weakly conserved and there is a moderate physicochemical difference between lysine and isoleucine. This variant is not present in population databases (ExAC no frequency) and has not been reported in the literature in individuals with a PRKAG2-related disease. Algorithms developed to predict the effect of missense changes on protein structure and function do not agree on the potential impact of this missense change (SIFT: "Deleterious"; PolyPhen-2: "Benign"; Align-GVGD: "Class C0"). In summary, this variant is a novel missense change with uncertain impact on protein function. It has been classified as a Variant of Uncertain Significance.

NM_016203.4(PRKAG2):c.32A>T (p.Lys11Ile)

Gene: PRKAG2 (protein kinase AMP-activated non-catalytic subunit gamma 2; minus strand). Cytogenetic location: 7q36.1.
Variant type: single nucleotide variant.
Coding change: c.32A>T on transcript NM_016203.4 (MANE Select); coding-DNA position 32, A replaced by T.
Protein change: p.Lys11Ile; replaces lysine 11 with isoleucine.
Molecular consequence: missense variant.
Genome position (GRCh38, 1-based): chr7:151,876,589, T>A on the plus strand (A>T on the coding strand, the complement: PRKAG2 is on the minus strand). VCF-style: chr7-151876589-T-A. GRCh37 (hg19) VCF-style: chr7-151573674-T-A.
Other names: short protein forms K11I.
Identifiers: ClinVar variation 410721 (VCV000410721.11), dbSNP rs1060503025, ClinGen allele CA16612205.